The following is an entry in ClinVar:

NM_015693.4(INTU):c.452G>A (p.Gly151Glu)

Gene: INTU (inturned planar cell polarity protein; plus strand). Cytogenetic location: 4q28.1.
Variant type: single nucleotide variant.
Coding change: c.452G>A on transcript NM_015693.4 (MANE Select); coding-DNA position 452, G replaced by A.
Protein change: p.Gly151Glu; replaces glycine 151 with glutamic acid.
Molecular consequence: missense variant.
Genome position (GRCh38, 1-based): chr4:127,643,826, G>A. VCF-style: chr4-127643826-G-A. GRCh37 (hg19) VCF-style: chr4-128564981-G-A.
Other names: short protein forms G151E.
Identifiers: ClinVar variation 2969764 (VCV002969764.3), dbSNP rs745930797, ClinGen allele CA3074793.
Genomic context (GRCh38, chr4:127,643,826, plus strand): 5'-AAAATAGCAATGACAATGGACCAGTATCCATTCTAAAGCATCAGTCCAATCAGAAGACAG[G>A]AGTCATTGTCCAACAGCGATACAAAGATGTGAATGTTTATGTAAACCCCAAAAAGCTAAC-3'
Protein context (NP_056508.2, residues 141-161): ILKHQSNQKT[Gly151Glu]VIVQQRYKDV

ClinVar aggregate classification (germline): Uncertain significance (1 of 4 stars; one submission).

Allele frequency attached by ClinVar (database versions not stated): gnomAD 0.00001; gnomAD exomes 0.00002; TOPMed 0.00002; ExAC 0.00004.
gnomAD v4.1: 16 of 1,613,914 alleles (0.00099%); highest among the groups gnomAD compares: African/African-American, 0.0027%; no homozygotes.

Submission:

Labcorp Genetics (formerly Invitae), Labcorp
Classification: Uncertain significance. Last evaluated: 2023-10-22. Review status: criteria provided, single submitter. Criteria: Invitae Variant Classification Sherloc (09022015). Collection method: clinical testing. Allele origin: germline.
Comment: This sequence change replaces glycine, which is neutral and non-polar, with glutamic acid, which is acidic and polar, at codon 151 of the INTU protein (p.Gly151Glu). This variant is present in population databases (rs745930797, gnomAD 0.007%). This variant has not been reported in the literature in individuals affected with INTU-related conditions. Advanced modeling of protein sequence and biophysical properties (such as structural, functional, and spatial information, amino acid conservation, physicochemical variation, residue mobility, and thermodynamic stability) performed at Invitae indicates that this missense variant is not expected to disrupt INTU protein function. In summary, the available evidence is currently insufficient to determine the role of this variant in disease. Therefore, it has been classified as a Variant of Uncertain Significance.